The following is an entry in ClinVar:

ClinVar aggregate classification (germline): Likely benign (1 of 4 stars; one submission).

Submission:

CeGaT Center for Human Genetics Tuebingen
Classification: Likely benign. Last evaluated: 2026-06-01. Review status: criteria provided, single submitter. Criteria: CeGaT Center For Human Genetics Tuebingen Variant Classification Criteria Version 2. Collection method: clinical testing. Allele origin: germline. Affected: yes. Observed: 1 variant allele.
Comment: ASXL3: PM2:Supporting, BP4, BP7

NM_030632.3(ASXL3):c.3234T>A (p.Ala1078=)

Gene: ASXL3 (ASXL transcriptional regulator 3; plus strand). Cytogenetic location: 18q12.1.
Variant type: single nucleotide variant.
Coding change: c.3234T>A on transcript NM_030632.3 (MANE Select); coding-DNA position 3234, T replaced by A.
Protein change: p.Ala1078=; no amino-acid change (alanine 1078 retained).
Molecular consequence: synonymous variant.
Genome position (GRCh38, 1-based): chr18:33,743,082, T>A. VCF-style: chr18-33743082-T-A. GRCh37 (hg19) VCF-style: chr18-31323046-T-A.
Identifiers: ClinVar variation 4873596 (VCV004873596.2).
Genomic context (GRCh38, chr18:33,743,082, plus strand): 5'-GGCCCGGGCCCAACAAGCTCGGGCCCAGCGAGAGGCTGCTGCAGCTGCTGCTGTGGCTGC[T>A]GCAGCGAGCATTGTCTCTGGAGCCATGGGAAGTCCAGGAGAGGGTGGAAAGACGAGAACT-3'
Protein context (NP_085135.1, residues 1068-1088): REAAAAAAVA[Ala1078=]AASIVSGAMG